The following is an entry in ClinVar:

NM_006940.6(SOX5):c.1673G>A (p.Arg558His)

Gene: SOX5 (SRY-box transcription factor 5; minus strand). Cytogenetic location: 12p12.1.
Variant type: single nucleotide variant.
Coding change: c.1673G>A on transcript NM_006940.6 (MANE Select); coding-DNA position 1673, G replaced by A.
Protein change: p.Arg558His; replaces arginine 558 with histidine.
Molecular consequence: missense variant.
Genome position (GRCh38, 1-based): chr12:23,543,309, C>T on the plus strand (G>A on the coding strand, the complement: SOX5 is on the minus strand). VCF-style: chr12-23543309-C-T. GRCh37 (hg19) VCF-style: chr12-23696243-C-T.
Other names: c.1634G>A, p.Arg545His (NM_152989.5); c.1310G>A, p.Arg437His (NM_001261414.3); c.1643G>A, p.Arg548His (NM_001261415.3); c.1568G>A, p.Arg523His (NM_001330785.2); c.515G>A, p.Arg172His (NM_178010.4); short protein forms R172H, R523H, R558H, R437H, R545H, R548H.
Identifiers: ClinVar variation 973345 (VCV000973345.14), dbSNP rs2547813307, ClinGen allele CA384319911.
Genomic context (GRCh38, chr12:23,543,309, plus strand): 5'-AAGGCTTGAAGGATCTTTCTCCGTTCATCTTTAGCCCACACCATGAAGGCATTCATTGGA[C>T]GCTTTATGTGGGGTTCATTGCTACCACGCCCTCGGGATTCCCTATAAATTCTTGACTCTG-3'
Protein context (NP_008871.3, residues 548-568): GRGSNEPHIK[Arg558His]PMNAFMVWAK

ClinVar aggregate classification (germline): Pathogenic/Likely pathogenic. Review status: criteria provided, multiple submitters, no conflicts (2 of 4 stars). 7 submissions from 7 submitters: Pathogenic (2); Likely pathogenic (1). 4 of the submissions do not count toward it. Last evaluated 2026-01-01.

Conditions:
Lamb-Shaffer syndrome. Identifiers: Orphanet 313884, Orphanet 313892, Orphanet 530983, MedGen C4225202, MONDO:0014778, OMIM 616803.

Submissions (7):

CeGaT Center for Human Genetics Tuebingen
Classification: Pathogenic. Last evaluated: 2026-01-01. Review status: criteria provided, single submitter. Criteria: CeGaT Center For Human Genetics Tuebingen Variant Classification Criteria Version 2. Collection method: clinical testing. Allele origin: germline. Affected: yes. Observed: 1 variant allele.
Comment: SOX5: PM1, PM2, PM5, PM6:Supporting, PP2, PP3, PS4:Supporting

GeneDx
Classification: Pathogenic. Last evaluated: 2023-03-26. Review status: criteria provided, single submitter. Criteria: GeneDx Variant Classification Process June 2021. Collection method: clinical testing. Allele origin: germline. Affected: yes.
Comment: Not observed at significant frequency in large population cohorts (gnomAD); In silico analysis supports that this missense variant has a deleterious effect on protein structure/function; This variant is associated with the following publications: (PMID: 33767182, 36672963)

UNC Molecular Genetics  Laboratory, University of North Carolina at Chapel Hill
Classification: Likely pathogenic for Lamb-shaffer syndrome. Review status: criteria provided, single submitter. Criteria: ACMG Guidelines, 2015. Collection method: research. Allele origin: de novo. Observed: 1 variant allele. Study: CSER_NCGENES_2.
Comment: SOX5 c.1634G>A [p.R545H] is a missense variant that changes a single amino acid from an arginine to a histidine. This variant has not been described before in the literature.

Service de Génétique Moléculaire, Hôpital Robert Debré
Classification: Likely pathogenic for Lamb-Shaffer syndrome. Last evaluated: 2020-09-09. Review status: no assertion criteria provided. Collection method: clinical testing. Allele origin: de novo. Affected: yes. Not counted in ClinVar's aggregate classification.

Diagnostic Laboratory, Department of Genetics, University Medical Center Groningen
Classification: Likely pathogenic. Review status: no assertion criteria provided. Collection method: clinical testing. Allele origin: germline. Affected: yes. Study: VKGL Data-share Consensus. Not counted in ClinVar's aggregate classification.

Genome Diagnostics Laboratory, Amsterdam University Medical Center
Classification: Likely pathogenic. Review status: no assertion criteria provided. Collection method: clinical testing. Allele origin: germline. Affected: yes. Study: VKGL Data-share Consensus. Not counted in ClinVar's aggregate classification.

Joint Genome Diagnostic Labs from Nijmegen and Maastricht, Radboudumc and MUMC+
Classification: Likely pathogenic. Review status: no assertion criteria provided. Collection method: clinical testing. Allele origin: germline. Affected: yes. Study: VKGL Data-share Consensus. Not counted in ClinVar's aggregate classification.